The following is an entry in ClinVar:

NM_006218.4(PIK3CA):c.768A>G (p.Gly256=)

Gene: PIK3CA (phosphatidylinositol-4,5-bisphosphate 3-kinase catalytic subunit alpha; plus strand). Cytogenetic location: 3q26.32.
Variant type: single nucleotide variant.
Coding change: c.768A>G on transcript NM_006218.4 (MANE Select); coding-DNA position 768, A replaced by G.
Protein change: p.Gly256=; no amino-acid change (glycine 256 retained).
Molecular consequence: synonymous variant.
Genome position (GRCh38, 1-based): chr3:179,201,495, A>G. VCF-style: chr3-179201495-A-G. GRCh37 (hg19) VCF-style: chr3-178919283-A-G.
Identifiers: ClinVar variation 2160972 (VCV002160972.4), dbSNP rs1724408242, ClinGen allele CA437033805.
Genomic context (GRCh38, chr3:179,201,495, plus strand): 5'-TGAACAACTAAAACTCTGTGTTTTAGAATATCAGGGCAAGTATATTTTAAAAGTGTGTGG[A>G]TGTGATGAATACTTCCTAGAAAAATATCCTCTGAGTCAGTATAAGGTGAGTAACAAGTTT-3'
Protein context (NP_006209.2, residues 246-266): YQGKYILKVC[Gly256=]CDEYFLEKYP

ClinVar aggregate classification (germline): Uncertain significance (1 of 4 stars; one submission).

Conditions:
Cowden syndrome (CS). Also called: Cowden's disease; Cowden's syndrome; Cowden disease. Identifiers: Orphanet 201, MedGen C0018553, MONDO:0016063. Disease mechanism: gain of function.

Allele frequency attached by ClinVar (database versions not stated): gnomAD exomes below 0.00001.
gnomAD v4.1: 1 of 1,609,270 alleles (0.000062%); highest among the groups gnomAD compares: Non-Finnish European, 0.000085%; no homozygotes.

Submission:

Labcorp Genetics (formerly Invitae), Labcorp
Classification: Uncertain significance for Cowden syndrome. Last evaluated: 2022-04-10. Review status: criteria provided, single submitter. Criteria: Invitae Variant Classification Sherloc (09022015). Collection method: clinical testing. Allele origin: germline.
Comment: This sequence change affects codon 256 of the PIK3CA mRNA. It is a 'silent' change, meaning that it does not change the encoded amino acid sequence of the PIK3CA protein. This variant is not present in population databases (gnomAD no frequency). This variant has not been reported in the literature in individuals affected with PIK3CA-related conditions. Algorithms developed to predict the effect of sequence changes on RNA splicing suggest that this variant may disrupt the consensus splice site. In summary, the available evidence is currently insufficient to determine the role of this variant in disease. Therefore, it has been classified as a Variant of Uncertain Significance.